The following is an entry in ClinVar:

NM_023036.6(DNAI2):c.1495-2A>T

Gene: DNAI2 (dynein axonemal intermediate chain 2; plus strand). Cytogenetic location: 17q25.1.
Variant type: single nucleotide variant.
Coding change: c.1495-2A>T on transcript NM_023036.6 (MANE Select); the canonical splice acceptor site of the intron before coding-DNA position 1495, A replaced by T.
Molecular consequence: splice acceptor variant.
Genome position (GRCh38, 1-based): chr17:74,312,001, A>T. VCF-style: chr17-74312001-A-T. GRCh37 (hg19) VCF-style: chr17-72308140-A-T.
Other names: c.1495-2A>T (NM_023036.5, NM_001353167.2); c.1459-2A>T (NM_001172810.3).
Identifiers: ClinVar variation 2880621 (VCV002880621.4), dbSNP rs2509773839, ClinGen allele CA400912932.

ClinVar aggregate classification (germline): Likely pathogenic. Review status: criteria provided, multiple submitters, no conflicts (2 of 4 stars). 2 submissions from 2 submitters: Likely pathogenic (2). Last evaluated 2025-02-25.

Conditions:
Primary ciliary dyskinesia. Also called: Ciliary dyskinesia. Identifiers: Orphanet 244, MedGen C0008780, MONDO:0016575, HP:0012265.

gnomAD v4.1: 5 of 1,600,128 alleles (0.00031%); highest among the groups gnomAD compares: South Asian, 0.0033%; no homozygotes.

Submissions (2):

Natera, Inc.
Classification: Likely pathogenic for Primary ciliary dyskinesia. Last evaluated: 2025-02-25. Review status: criteria provided, single submitter. Criteria: Natera Variant Classification Schema (03/2026). Collection method: clinical testing. Allele origin: germline.
Comment: The c.1495-2A>T variant in DNAI2 is a canonical splice acceptor site variant predicted to affect pre-mRNA splicing, which may result in an abnormal transcript and altered protein product. This variant is expected to result in nonsense mediated decay, truncation, or a dysfunctional protein product. This variant is rare in the general population with a frequency below the threshold expected for the associated phenotype(s). Given the available evidence, this variant is classified as Likely Pathogenic.

Labcorp Genetics (formerly Invitae), Labcorp
Classification: Likely pathogenic for Primary ciliary dyskinesia. Last evaluated: 2023-08-29. Review status: criteria provided, single submitter. Criteria: Invitae Variant Classification Sherloc (09022015). Collection method: clinical testing. Allele origin: germline.
Comment: This sequence change affects an acceptor splice site in intron 11 of the DNAI2 gene. It is expected to disrupt RNA splicing. Variants that disrupt the donor or acceptor splice site typically lead to a loss of protein function (PMID: 16199547), and loss-of-function variants in DNAI2 are known to be pathogenic (PMID: 18950741, 23891469). This variant is not present in population databases (gnomAD no frequency). In summary, the currently available evidence indicates that the variant is pathogenic, but additional data are needed to prove that conclusively. Therefore, this variant has been classified as Likely Pathogenic. Algorithms developed to predict the effect of sequence changes on RNA splicing suggest that this variant may disrupt the consensus splice site. This variant has not been reported in the literature in individuals affected with DNAI2-related conditions.

Literature cited by the submitters: PubMed 16199547 (cited by Labcorp Genetics (formerly Invitae), Labcorp); PubMed 18950741 (cited by Labcorp Genetics (formerly Invitae), Labcorp); PubMed 23891469 (cited by Labcorp Genetics (formerly Invitae), Labcorp).